The following is an entry in ClinVar:

ClinVar aggregate classification (germline): Uncertain significance (1 of 4 stars; one submission).

gnomAD v4.1: 1 of 780,808 alleles (0.00013%); no homozygotes.

Submission:

Labcorp Genetics (formerly Invitae), Labcorp
Classification: Uncertain significance. Last evaluated: 2023-09-30. Review status: criteria provided, single submitter. Criteria: Invitae Variant Classification Sherloc (09022015). Collection method: clinical testing. Allele origin: germline.
Comment: In summary, the available evidence is currently insufficient to determine the role of this variant in disease. Therefore, it has been classified as a Variant of Uncertain Significance. Algorithms developed to predict the effect of missense changes on protein structure and function output the following: SIFT: "Not Available"; PolyPhen-2: "Benign"; Align-GVGD: "Not Available". The glycine amino acid residue is found in multiple mammalian species, which suggests that this missense change does not adversely affect protein function. This variant has not been reported in the literature in individuals affected with ADCY1-related conditions. This variant is not present in population databases (gnomAD no frequency). This sequence change replaces alanine, which is neutral and non-polar, with glycine, which is neutral and non-polar, at codon 1080 of the ADCY1 protein (p.Ala1080Gly).

NM_021116.4(ADCY1):c.3239C>G (p.Ala1080Gly)

Gene: ADCY1 (adenylate cyclase 1; plus strand). Cytogenetic location: 7p12.3.
Variant type: single nucleotide variant.
Coding change: c.3239C>G on transcript NM_021116.4 (MANE Select); coding-DNA position 3239, C replaced by G.
Protein change: p.Ala1080Gly; replaces alanine 1080 with glycine.
Molecular consequence: missense variant.
Genome position (GRCh38, 1-based): chr7:45,713,874, C>G. VCF-style: chr7-45713874-C-G. GRCh37 (hg19) VCF-style: chr7-45753473-C-G.
Other names: short protein forms A1080G.
Identifiers: ClinVar variation 2806370 (VCV002806370.3), dbSNP rs757148044, ClinGen allele CA367450187.